The following is an entry in ClinVar:

ClinVar aggregate classification (germline): Uncertain significance (1 of 4 stars; one submission).

gnomAD v4.1: 2 of 1,614,150 alleles (0.00012%); highest among the groups gnomAD compares: Non-Finnish European, 0.000085%; no homozygotes.

Submission:

Labcorp Genetics (formerly Invitae), Labcorp
Classification: Uncertain significance. Last evaluated: 2021-10-22. Review status: criteria provided, single submitter. Criteria: Invitae Variant Classification Sherloc (09022015). Collection method: clinical testing. Allele origin: germline.
Comment: In summary, the available evidence is currently insufficient to determine the role of this variant in disease. Therefore, it has been classified as a Variant of Uncertain Significance. Algorithms developed to predict the effect of missense changes on protein structure and function output the following: SIFT: "Deleterious"; PolyPhen-2: "Benign"; Align-GVGD: "Class C25". The phenylalanine amino acid residue is found in multiple mammalian species, which suggests that this missense change does not adversely affect protein function. This variant has not been reported in the literature in individuals affected with RP1-related conditions. This variant is not present in population databases (ExAC no frequency). This sequence change replaces serine with phenylalanine at codon 422 of the RP1 protein (p.Ser422Phe). The serine residue is highly conserved and there is a large physicochemical difference between serine and phenylalanine.

NM_006269.2(RP1):c.1265C>T (p.Ser422Phe)

Gene: RP1 (RP1 axonemal microtubule associated; plus strand). Cytogenetic location: 8q12.1.
Variant type: single nucleotide variant.
Coding change: c.1265C>T on transcript NM_006269.2 (MANE Select); coding-DNA position 1265, C replaced by T.
Protein change: p.Ser422Phe; replaces serine 422 with phenylalanine.
Molecular consequence: missense variant. On other transcripts: intron variant (1).
Genome position (GRCh38, 1-based): chr8:54,625,147, C>T. VCF-style: chr8-54625147-C-T. GRCh37 (hg19) VCF-style: chr8-55537707-C-T.
Other names: c.787+2859C>T (NM_001375654.1); short protein forms S422F.
Identifiers: ClinVar variation 1388699 (VCV001388699.6), dbSNP rs1585561971, ClinGen allele CA370989763.